The following is an entry in ClinVar:

NM_000038.6(APC):c.6654A>C (p.Gln2218His)

Gene: APC (APC regulator of Wnt signaling pathway; plus strand). Cytogenetic location: 5q22.2.
Variant type: single nucleotide variant.
Coding change: c.6654A>C on transcript NM_000038.6 (MANE Select); coding-DNA position 6654, A replaced by C.
Protein change: p.Gln2218His; replaces glutamine 2218 with histidine.
Molecular consequence: missense variant. On other transcripts: non-coding transcript variant (2).
Genome position (GRCh38, 1-based): chr5:112,842,248, A>C. VCF-style: chr5-112842248-A-C. GRCh37 (hg19) VCF-style: chr5-112177945-A-C.
Other names: c.6654A>C, p.Gln2218His (NM_001127510.3, NM_001354895.2, NM_001407450.1); c.6600A>C, p.Gln2200His (NM_001127511.3); c.6708A>C, p.Gln2236His (NM_001354896.2, NM_001407447.1, NM_001407448.1 and 1 more transcripts); c.6684A>C, p.Gln2228His (NM_001354897.2); c.6579A>C, p.Gln2193His (NM_001354898.2); c.6570A>C, p.Gln2190His (NM_001354899.2); c.6531A>C, p.Gln2177His (NM_001354900.2); c.6477A>C, p.Gln2159His (NM_001354901.2, NM_001407453.1); and 11 more; short protein forms Q1834H, Q1935H, Q2058H, Q2089H, Q2092H, Q2117H, Q2127H, Q2135H.
Identifiers: ClinVar variation 3230953 (VCV003230953.2), dbSNP rs1057522994, ClinGen allele CA16035887.

ClinVar aggregate classification (germline): Uncertain significance. Review status: criteria provided, multiple submitters, no conflicts (2 of 4 stars). 2 submissions from 2 submitters: Uncertain significance (2). Last evaluated 2024-03-29.

Conditions:
Hereditary cancer-predisposing syndrome. Also called: Neoplastic Syndromes, Hereditary; Tumor predisposition; Hereditary neoplastic syndrome; Hereditary Cancer Syndrome. Identifiers: Orphanet 140162, MedGen C0027672, MeSH D009386, MONDO:0015356.
Classic or attenuated familial adenomatous polyposis. Identifiers: MedGen CN372698, MONDO:0021057.

Submissions (2):

All of Us Research Program, National Institutes of Health
Classification: Uncertain significance for Classic or attenuated familial adenomatous polyposis. Last evaluated: 2024-03-29. Review status: criteria provided, single submitter. Criteria: ACMG Guidelines, 2015. Collection method: clinical testing. Allele origin: germline. Inheritance: Autosomal dominant inheritance. Observed: 1 variant allele, 1 heterozygote.
Comment: This study involves interpretation of variants in research participants for the purpose of population health screening. Participant phenotype was not available at the time of variant classification. Additional details can be found in publication PMID: 35346344, PMCID: PMC8962531

Ambry Genetics
Classification: Uncertain significance for Hereditary cancer-predisposing syndrome. Last evaluated: 2024-03-09. Review status: criteria provided, single submitter. Criteria: Ambry Variant Classification Scheme 2023. Collection method: clinical testing. Allele origin: germline.
Comment: The p.Q2218H variant (also known as c.6654A>C), located in coding exon 15 of the APC gene, results from an A to C substitution at nucleotide position 6654. The glutamine at codon 2218 is replaced by histidine, an amino acid with highly similar properties. This amino acid position is conserved. In addition, in silico predictors for this gene do not accurately predict pathogenicity. Based on the available evidence, the clinical significance of this alteration remains unclear.